The following is an entry in ClinVar:

NM_032048.3(EMILIN2):c.2529G>A (p.Gly843=)

Genes: EMILIN2 (elastin microfibril interfacer 2; plus strand), LOC130062088 (ATAC-STARR-seq lymphoblastoid silent region 9250; plus strand). Cytogenetic location: 18p11.31.
Variant type: single nucleotide variant.
Coding change: c.2529G>A on transcript NM_032048.3 (MANE Select); coding-DNA position 2529, G replaced by A.
Protein change: p.Gly843=; no amino-acid change (glycine 843 retained).
Molecular consequence: synonymous variant.
Genome position (GRCh38, 1-based): chr18:2,906,952, G>A. VCF-style: chr18-2906952-G-A. GRCh37 (hg19) VCF-style: chr18-2906950-G-A.
Identifiers: ClinVar variation 777485 (VCV000777485.20), dbSNP rs573074521, ClinGen allele CA8872395.

ClinVar aggregate classification (germline): Benign/Likely benign. Review status: criteria provided, multiple submitters, no conflicts (2 of 4 stars). 3 submissions from 3 submitters: Benign (2); Likely benign (1). Last evaluated 2026-03-01.

Allele frequency attached by ClinVar (database versions not stated): ExAC 0.00044; gnomAD exomes 0.00153; 1000 Genomes Project 30x 0.00219; 1000 Genomes Project 0.00220; gnomAD 0.00229; TOPMed 0.00291.
gnomAD v4.1: 4,902 of 1,405,872 alleles (0.35%); highest among the groups gnomAD compares: Non-Finnish European, 0.41%; 13 homozygotes.

Submissions (3):

CeGaT Center for Human Genetics Tuebingen
Classification: Likely benign. Last evaluated: 2026-03-01. Review status: criteria provided, single submitter. Criteria: CeGaT Center For Human Genetics Tuebingen Variant Classification Criteria Version 2. Collection method: clinical testing. Allele origin: germline. Affected: yes. Observed: 5 variant alleles.
Comment: EMILIN2: BP4, BP7, BS2

Labcorp Genetics (formerly Invitae), Labcorp
Classification: Benign. Last evaluated: 2018-07-11. Review status: criteria provided, single submitter. Criteria: Invitae Variant Classification Sherloc (09022015). Collection method: clinical testing. Allele origin: germline.

Breakthrough Genomics
Classification: Benign. Review status: criteria provided, single submitter. Criteria: ACMG Guidelines, 2015. Collection method: not provided. Allele origin: germline. Inheritance: Unknown mechanism. Affected: yes.